The following is an entry in ClinVar:

ClinVar aggregate classification (germline): Pathogenic (1 of 4 stars; one submission).

Conditions:
Cleidocranial dysostosis (CLCD1). Also called: Marie-Sainton disease; Cleidocranial Dysplasia Spectrum Disorder; cleidocranial dysplasia 1. Identifiers: Orphanet 1452, MedGen C0008928, MONDO:0007340, OMIM 119600.

Submission:

Center for Human Genetics and Genomic Medicine, Uniklinik Rwth Aachen
Classification: Pathogenic for Cleidocranial dysostosis. Last evaluated: 2025-09-02. Review status: criteria provided, single submitter. Criteria: ACMG Guidelines, 2015. Collection method: clinical testing. Allele origin: germline. Inheritance: Autosomal dominant inheritance. Affected: yes. Observed: 1 variant allele, 1 heterozygote.
Comment: To date, this variant has not been described in the general population, in the ClinVar or dbSNP156 databases, or in the literature. Another nucleotide substitution at the same position (NM_001024630.4:c.685+1G>C) is listed once in ClinVar as likely pathogenic (VCV003663437.2). Furthermore, another nucleotide substitution at this position (NM_001024630.4:c.685+1G>T) has already been reported in patients with CCD (G. Zhou et al., 1999). Bioinformatically, the SpliceAI prediction program predicts a likely effect on splicing for this variant. The variant affects the canonical splice site and thus most likely leads to altered splicing and, consequently, to loss of function of the corresponding protein. Loss-of-function variants in the RUNX2 gene are known to be pathogenic.

Literature cited by the submitters: PubMed 10545612.

NM_001024630.4(RUNX2):c.685+1G>A

Gene: RUNX2 (RUNX family transcription factor 2; plus strand). Cytogenetic location: 6p21.1.
Variant type: single nucleotide variant.
Coding change: c.685+1G>A on transcript NM_001024630.4 (MANE Select); the canonical splice donor site of the intron after coding-DNA position 685, G replaced by A.
Molecular consequence: splice donor variant.
Genome position (GRCh38, 1-based): chr6:45,438,052, G>A. VCF-style: chr6-45438052-G-A. GRCh37 (hg19) VCF-style: chr6-45405789-G-A.
Other names: c.685+1G>A (NM_001015051.4); c.643+1G>A (NM_001369405.1, NM_001278478.2).
Identifiers: ClinVar variation 4976874 (VCV004976874.1).